The following is an entry in ClinVar:

ClinVar aggregate classification (germline): Uncertain significance. Review status: criteria provided, multiple submitters, no conflicts (2 of 4 stars). 5 submissions from 5 submitters: Uncertain significance (5). Last evaluated 2026-07-06.

Conditions:
Malignant hyperthermia, susceptibility to, 1 (MHS1). Also called: Anesthesia related hyperthermia; Malignant hyperpyrexia; Fulminating hyperpyrexia; Pharmacogenic myopathy; RYR1-Related Malignant Hyperthermia Susceptibility; Malignant hyperthermia suceptibility 1. Identifiers: Orphanet 423, MedGen C2930980, MONDO:0007783, OMIM 145600.
RYR1-related disorder. Also called: RYR1-related disorders; RYR1-related condition. Identifiers: MedGen CN239331.
Inborn genetic diseases. Identifiers: MedGen C0950123, MeSH D030342.

Allele frequency attached by ClinVar (database versions not stated): ExAC 0.00002; gnomAD exomes 0.00001 and 0.00003.
gnomAD v4.1: 21 of 1,614,110 alleles (0.0013%); highest among the groups gnomAD compares: Middle Eastern, 0.2%; 1 homozygote.

Submissions (5):

Ambry Genetics
Classification: Uncertain significance for Inborn genetic diseases. Last evaluated: 2026-07-06. Review status: criteria provided, single submitter. Criteria: Ambry Variant Classification Scheme 2023. Collection method: clinical testing. Allele origin: germline.
Comment: The p.F5023L variant (also known as c.15067T>C), located in coding exon 106 of the RYR1 gene, results from a T to C substitution at nucleotide position 15067. The phenylalanine at codon 5023 is replaced by leucine, an amino acid with highly similar properties. This amino acid position is conserved. In addition, this alteration is predicted to be deleterious by in silico analysis. Based on the available evidence, the clinical significance of this variant remains unclear.

GeneDx
Classification: Uncertain significance. Last evaluated: 2025-03-28. Review status: criteria provided, single submitter. Criteria: GeneDx Variant Classification Process June 2021. Collection method: clinical testing. Allele origin: germline. Affected: yes.
Comment: Not observed at significant frequency in large population cohorts (gnomAD); In silico analysis supports that this missense variant has a deleterious effect on protein structure/function; Has not been previously published as pathogenic or benign to our knowledge

Blueprint Genetics
Classification: Uncertain significance. Last evaluated: 2024-10-11. Review status: criteria provided, single submitter. Criteria: ACMG Guidelines, 2015. Collection method: clinical testing. Allele origin: germline.

All of Us Research Program, National Institutes of Health
Classification: Uncertain significance for Malignant hyperthermia, susceptibility to, 1. Last evaluated: 2024-02-22. Review status: criteria provided, single submitter. Criteria: ACMG Guidelines, 2015. Collection method: clinical testing. Allele origin: germline. Inheritance: Autosomal dominant inheritance. Observed: 6 variant alleles, 6 heterozygotes.
Comment: This missense variant replaces phenylalanine with leucine at codon 5023 of the RYR1 protein. Computational prediction suggests that this variant may have deleterious impact on protein structure and function (internally defined REVEL score threshold >= 0.7, PMID: 27666373). To our knowledge, functional studies have not been reported for this variant. This variant has not been reported in individuals affected with malignant hyperthermia in the literature. This variant has been identified in 7/251478 chromosomes in the general population by the Genome Aggregation Database (gnomAD). The available evidence is insufficient to determine the role of this variant in disease conclusively. Therefore, this variant is classified as a Variant of Uncertain Significance.

This study involves interpretation of variants in research participants for the purpose of population health screening. Participant phenotype was not available at the time of variant classification. Additional details can be found in publication PMID: 35346344, PMCID: PMC8962531

Labcorp Genetics (formerly Invitae), Labcorp
Classification: Uncertain significance for RYR1-related disorder. Last evaluated: 2022-08-09. Review status: criteria provided, single submitter. Criteria: Invitae Variant Classification Sherloc (09022015). Collection method: clinical testing. Allele origin: germline.
Comment: This sequence change replaces phenylalanine, which is neutral and non-polar, with leucine, which is neutral and non-polar, at codon 5023 of the RYR1 protein (p.Phe5023Leu). This variant is present in population databases (rs753078398, gnomAD 0.003%). This variant has not been reported in the literature in individuals affected with RYR1-related conditions. ClinVar contains an entry for this variant (Variation ID: 953085). Advanced modeling of protein sequence and biophysical properties (such as structural, functional, and spatial information, amino acid conservation, physicochemical variation, residue mobility, and thermodynamic stability) performed at Invitae indicates that this missense variant is expected to disrupt RYR1 protein function. In summary, the available evidence is currently insufficient to determine the role of this variant in disease. Therefore, it has been classified as a Variant of Uncertain Significance.

NM_000540.3(RYR1):c.15067T>C (p.Phe5023Leu)

Gene: RYR1 (ryanodine receptor 1; plus strand). Cytogenetic location: 19q13.2.
Variant type: single nucleotide variant.
Coding change: c.15067T>C on transcript NM_000540.3 (MANE Select); coding-DNA position 15067, T replaced by C.
Protein change: p.Phe5023Leu; replaces phenylalanine 5023 with leucine.
Molecular consequence: missense variant.
Genome position (GRCh38, 1-based): chr19:38,587,370, T>C. VCF-style: chr19-38587370-T-C. GRCh37 (hg19) VCF-style: chr19-39078010-T-C.
Other names: c.15052T>C, p.Phe5018Leu (NM_001042723.2); short protein forms F5023L, F5018L.
Identifiers: ClinVar variation 953085 (VCV000953085.12), dbSNP rs753078398, ClinGen allele CA062044.
Genomic context (GRCh38, chr19:38,587,370, plus strand): 5'-TATCCCCAATCCTAGGAGTCTTATGTCTGGAAGATGTACCAAGAGAGATGTTGGGATTTC[T>C]TCCCAGCTGGTGATTGTTTCCGTAAGCAGTATGAGGACCAGCTTAGCTGACACACCCCCA-3'
Protein context (NP_000531.2, residues 5013-5033): KMYQERCWDF[Phe5023Leu]PAGDCFRKQY